The following is an entry in ClinVar:

NM_000540.3(RYR1):c.10113G>A (p.Lys3371=)

Gene: RYR1 (ryanodine receptor 1; plus strand). Cytogenetic location: 19q13.2.
Variant type: single nucleotide variant.
Coding change: c.10113G>A on transcript NM_000540.3 (MANE Select); coding-DNA position 10113, G replaced by A.
Protein change: p.Lys3371=; no amino-acid change (lysine 3371 retained).
Molecular consequence: synonymous variant.
Genome position (GRCh38, 1-based): chr19:38,519,308, G>A. VCF-style: chr19-38519308-G-A. GRCh37 (hg19) VCF-style: chr19-39009948-G-A.
Other names: c.10113G>A, p.Lys3371= (NM_001042723.2).
Identifiers: ClinVar variation 1128333 (VCV001128333.11), dbSNP rs757539208, ClinGen allele CA052369.
Genomic context (GRCh38, chr19:38,519,308, plus strand): 5'-GGAGCTCCTGCAGTCCCACTTCATCCCAACTATCGGGCGGCTGCGCAAGAGGGCAGGGAA[G>A]GTGGTGTCCGAGGAGGAGCAGCTGCGCCTGGAGGCCAAGGCGGAGGCCCAGGAGGGCGAG-3'
Protein context (NP_000531.2, residues 3361-3381): TIGRLRKRAG[Lys3371=]VVSEEEQLRL

ClinVar aggregate classification (germline): Likely benign. Review status: criteria provided, multiple submitters, no conflicts (2 of 4 stars). 2 submissions from 2 submitters: Likely benign (2). Last evaluated 2024-04-16.

Conditions:
RYR1-related disorder. Also called: RYR1-related condition; RYR1-related disorders. Identifiers: MedGen CN239331.
Malignant hyperthermia, susceptibility to, 1 (MHS1). Also called: Anesthesia related hyperthermia; Malignant hyperpyrexia; Fulminating hyperpyrexia; Pharmacogenic myopathy; Malignant hyperthermia suceptibility 1; RYR1-Related Malignant Hyperthermia Susceptibility. Identifiers: Orphanet 423, MedGen C2930980, MONDO:0007783, OMIM 145600.

Allele frequency attached by ClinVar (database versions not stated): gnomAD exomes below 0.00001 and 0.00001; ExAC 0.00002.
gnomAD v4.1: 6 of 1,614,078 alleles (0.00037%); highest among the groups gnomAD compares: Admixed American, 0.0033%; no homozygotes.

Submissions (2):

All of Us Research Program, National Institutes of Health
Classification: Likely benign for Malignant hyperthermia, susceptibility to, 1. Last evaluated: 2024-04-16. Review status: criteria provided, single submitter. Criteria: ACMG Guidelines, 2015. Collection method: clinical testing. Allele origin: germline. Inheritance: Autosomal dominant inheritance. Observed: 2 variant alleles, 2 heterozygotes.
Comment: This study involves interpretation of variants in research participants for the purpose of population health screening. Participant phenotype was not available at the time of variant classification. Additional details can be found in publication PMID: 35346344, PMCID: PMC8962531

Labcorp Genetics (formerly Invitae), Labcorp
Classification: Likely benign for RYR1-related disorder. Last evaluated: 2024-03-13. Review status: criteria provided, single submitter. Criteria: Invitae Variant Classification Sherloc (09022015). Collection method: clinical testing. Allele origin: germline.